The following is an entry in ClinVar:

NM_024666.5(AAGAB):c.362-10A>T

Gene: AAGAB (alpha and gamma adaptin binding protein; minus strand). Cytogenetic location: 15q23.
Variant type: single nucleotide variant.
Coding change: c.362-10A>T on transcript NM_024666.5 (MANE Select); 10 bases into the intron before coding-DNA position 362, A replaced by T.
Molecular consequence: intron variant.
Genome position (GRCh38, 1-based): chr15:67,236,078, T>A on the plus strand (A>T on the coding strand, the complement: AAGAB is on the minus strand). VCF-style: chr15-67236078-T-A. GRCh37 (hg19) VCF-style: chr15-67528416-T-A.
Other names: c.35-10A>T (NM_001271885.2, NM_001271886.2).
Identifiers: ClinVar variation 3050764 (VCV003050764.2), dbSNP rs750998814, ClinGen allele CA7627132.

ClinVar aggregate classification (germline): Likely benign (0 of 4 stars; one submission).

Conditions:
AAGAB-related disorder. Also called: AAGAB-related condition.

Allele frequency attached by ClinVar (database versions not stated): ExAC 0.00001.
gnomAD v4.1: 54 of 1,577,168 alleles (0.0034%); highest among the groups gnomAD compares: Non-Finnish European, 0.0042%; no homozygotes.

Submission:

PreventionGenetics, part of Exact Sciences
Classification: Likely benign for AAGAB-related condition. Last evaluated: 2019-07-15. Review status: no assertion criteria provided. Collection method: clinical testing. Allele origin: germline.
Comment: This variant is classified as likely benign based on ACMG/AMP sequence variant interpretation guidelines (Richards et al. 2015 PMID: 25741868, with internal and published modifications).